The following is an entry in ClinVar:

ClinVar aggregate classification (germline): Uncertain significance. Review status: criteria provided, multiple submitters, no conflicts (2 of 4 stars). 6 submissions from 6 submitters: Uncertain significance (3). 3 of the submissions do not count toward it. Last evaluated 2024-09-09.

Conditions:
Mucolipidosis type II. Also called: Mucolipidosis II Alpha/Beta; Mucolipidosis 2; ML 2; Inclusion cell disease; Leroy Disease; N-acetylglucosamine 1phosphotransferase deficiency. Identifiers: Orphanet 576, MedGen C2673377, MONDO:0009650, OMIM 252500.
Pseudo-Hurler polydystrophy. Also called: MUCOLIPIDOSIS IIIA; ML IIIA; Mucolipidosis III Alpha/Beta; Type III Mucolipidosis; ML III; ML III ALPHA/BETA. Identifiers: Orphanet 423461, Orphanet 577, MedGen C0033788, MONDO:0018931, OMIM 252600.

Allele frequency attached by ClinVar (database versions not stated): TOPMed 0.00011; gnomAD exomes 0.00008 and 0.00005; ESP Exome Variant Server 0.00015; gnomAD 0.00005 and 0.00007; ExAC 0.00007.
gnomAD v4.1: 76 of 1,559,114 alleles (0.0049%); highest among the groups gnomAD compares: Admixed American, 0.033%; no homozygotes.

Submissions (6):

Women's Health and Genetics/Laboratory Corporation of America, LabCorp
Classification: Uncertain significance. Last evaluated: 2024-09-09. Review status: criteria provided, single submitter. Criteria: LabCorp Variant Classification Summary - May 2015. Collection method: clinical testing. Allele origin: germline.
Comment: Variant summary: GNPTAB c.337A>G (p.Lys113Glu) results in a conservative amino acid change in the encoded protein sequence. Three of five in-silico tools predict a benign effect of the variant on protein function. The variant allele was found at a frequency of 8.4e-05 in 251004 control chromosomes. This frequency is not significantly higher than estimated for a pathogenic variant in GNPTAB causing Mucolipidosis (8.4e-05 vs 0.0022), allowing no conclusion about variant significance. To our knowledge, no occurrence of c.337A>G in individuals affected with Mucolipidosis and no experimental evidence demonstrating its impact on protein function have been reported. ClinVar contains an entry for this variant (Variation ID: 550053). Based on the evidence outlined above, the variant was classified as uncertain significance.

Labcorp Genetics (formerly Invitae), Labcorp
Classification: Uncertain significance for Pseudo-Hurler polydystrophy; Mucolipidosis type II. Last evaluated: 2022-08-22. Review status: criteria provided, single submitter. Criteria: Invitae Variant Classification Sherloc (09022015). Collection method: clinical testing. Allele origin: germline.
Comment: This sequence change replaces lysine, which is basic and polar, with glutamic acid, which is acidic and polar, at codon 113 of the GNPTAB protein (p.Lys113Glu). This variant is present in population databases (rs140656599, gnomAD 0.04%). This variant has not been reported in the literature in individuals affected with GNPTAB-related conditions. ClinVar contains an entry for this variant (Variation ID: 550053). Advanced modeling of protein sequence and biophysical properties (such as structural, functional, and spatial information, amino acid conservation, physicochemical variation, residue mobility, and thermodynamic stability) performed at Invitae indicates that this missense variant is not expected to disrupt GNPTAB protein function. In summary, the available evidence is currently insufficient to determine the role of this variant in disease. Therefore, it has been classified as a Variant of Uncertain Significance.

Fulgent Genetics
Classification: Uncertain significance for Mucolipidosis type II; Pseudo-Hurler polydystrophy. Last evaluated: 2021-09-10. Review status: criteria provided, single submitter. Criteria: ACMG Guidelines, 2015. Collection method: clinical testing. Allele origin: unknown.

Natera, Inc.
Classification: Uncertain significance for Mucolipidosis type II. Last evaluated: 2020-02-12. Review status: no assertion criteria provided. Collection method: clinical testing. Allele origin: germline. Not counted in ClinVar's aggregate classification.

Mayo Clinic Laboratories, Mayo Clinic
Classification: Uncertain significance. Last evaluated: 2017-05-17. Review status: no assertion criteria provided. Collection method: clinical testing. Allele origin: unknown. Not counted in ClinVar's aggregate classification.

Counsyl
Classification: Uncertain significance for Mucolipidosis type II; Pseudo-Hurler polydystrophy. Last evaluated: 2017-05-02. Review status: no assertion criteria provided. Collection method: clinical testing. Allele origin: unknown. Not counted in ClinVar's aggregate classification.

NM_024312.5(GNPTAB):c.337A>G (p.Lys113Glu)

Gene: GNPTAB (N-acetylglucosamine-1-phosphate transferase subunits alpha and beta; minus strand). Cytogenetic location: 12q23.2.
Variant type: single nucleotide variant.
Coding change: c.337A>G on transcript NM_024312.5 (MANE Select); coding-DNA position 337, A replaced by G.
Protein change: p.Lys113Glu; replaces lysine 113 with glutamic acid.
Molecular consequence: missense variant.
Genome position (GRCh38, 1-based): chr12:101,788,576, T>C on the plus strand (A>G on the coding strand, the complement: GNPTAB is on the minus strand). VCF-style: chr12-101788576-T-C. GRCh37 (hg19) VCF-style: chr12-102182354-T-C.
Other names: short protein forms K113E.
Identifiers: ClinVar variation 550053 (VCV000550053.12), dbSNP rs140656599, ClinGen allele CA6746912.